The following is an entry in ClinVar:

NM_181486.4(TBX5):c.468_484del (p.Lys157fs)

Gene: TBX5 (T-box transcription factor 5; minus strand). Cytogenetic location: 12q24.21.
Variant type: Deletion.
Coding change: c.468_484del on transcript NM_181486.4 (MANE Select); coding-DNA positions 468 to 484, 17 bases deleted (GAAACTCAAGCTCACCA).
Protein change: p.Lys157fs; shifts the reading frame from lysine 157.
Molecular consequence: frameshift variant.
Genome position (GRCh38, 1-based): chr12:114,398,599-114,398,615, TGGTGAGCTTGAGTTTC deleted on the plus strand (GAAACTCAAGCTCACCA on the coding strand, the reverse complement: TBX5 is on the minus strand); deleting any 17 consecutive bases within chr12:114,398,599-114,398,618 gives the same sequence; the c. name uses the placement nearest the transcript's 3' end. VCF-style (leftmost placement, unchanged base first): chr12-114398598-TTGGTGAGCTTGAGTTTC-T. GRCh37 (hg19) VCF-style: chr12-114836403-TTGGTGAGCTTGAGTTTC-T.
Other names: c.468_484delGAAACTCAAGCTCACCA (NM_000192.3); c.468_484del, p.Lys157fs (NM_000192.3); c.318_334del, p.Lys107fs (NM_080717.4); short protein forms K107fs, K157fs.
Identifiers: ClinVar variation 213829 (VCV000213829.1), dbSNP rs863223785, ClinGen allele CA321135.
Genomic context (GRCh38, chr12:114,398,598, plus strand): 5'-GAGACAAGGCGGGGAATCCAGGCCACGGTACTCACATGCCCAAATGGGTCCAGGTGGTTG[TTGGTGAGCTTGAGTTTC>T]TGGAAGGAGACGAGCTGCCTCATCCAATGCGCCCCGGTGGCGGGGGAGTCTGGGTGCACG-3'

ClinVar aggregate classification (germline): Pathogenic (1 of 4 stars; one submission).

Submission:

GeneDx
Classification: Pathogenic. Last evaluated: 2014-05-22. Review status: criteria provided, single submitter. Criteria: GeneDx Variant Classification (06012015). Collection method: clinical testing. Allele origin: germline. Affected: yes.
Comment: The c.468_484delGAAACTCAAGCTCACCA mutation in the TBX5 gene causes a frameshift starting with codon Lysine 157, changes this amino acid to a Glutamine residue and creates a premature Stop codon at position 20 of the new reading frame, denoted p.Lys157GlnfsX20. This mutation is predicted to cause loss of normal protein function either through protein truncation or nonsense-mediated mRNA decay. Although this mutation has not been previously reported to our knowledge, its presence is consistent with a diagnosis of Holt-Oram syndrome. This variant was found in TBX5